The following is an entry in ClinVar:

NM_006393.3(NEBL):c.1869+44A>G

Gene: NEBL (nebulette; minus strand). Cytogenetic location: 10p12.31.
Variant type: single nucleotide variant.
Coding change: c.1869+44A>G on transcript NM_006393.3 (MANE Select); 44 bases into the intron after coding-DNA position 1869, A replaced by G.
Molecular consequence: intron variant.
Genome position (GRCh38, 1-based): chr10:20,826,403, T>C on the plus strand (A>G on the coding strand, the complement: NEBL is on the minus strand). VCF-style: chr10-20826403-T-C. GRCh37 (hg19) VCF-style: chr10-21115332-T-C.
Other names: c.250-13463A>G (NM_001377326.1, NM_001377327.1, NM_001377328.1); c.358-13463A>G (NM_213569.2, NM_001173484.2, NM_001377322.1); c.301-13463A>G (NM_001377324.1); c.292-13463A>G (NM_001377325.1); c.310-13463A>G (NM_001377323.1).
Identifiers: ClinVar variation 671172 (VCV000671172.2), dbSNP rs1409348, ClinGen allele CA5432717.
Genomic context (GRCh38, chr10:20,826,403, plus strand): 5'-AGAATAAAAGGAAAAAAGCCATCAGTTGAGTAAAGAACTAAAAACATTTGTCTATAGTTT[T>C]GGTTTGCTTTTAGAAAAGATAATTAATGCTGTAGAGAACTTACTGAACTAATATTCTGCT-3'

ClinVar aggregate classification (germline): Benign. Review status: criteria provided, multiple submitters, no conflicts (2 of 4 stars). 2 submissions from 2 submitters: Benign (2). Last evaluated 2018-06-14.

Allele frequency attached by ClinVar (database versions not stated): gnomAD exomes 0.40778 and 0.44625; ExAC 0.44948; gnomAD 0.46365 and 0.46852; ESP Exome Variant Server 0.46494; TOPMed 0.48567; 1000 Genomes Project 30x 0.55637; 1000 Genomes Project 0.55831.
gnomAD v4.1: 598,067 of 1,438,126 alleles (42%); highest among the groups gnomAD compares: African/African-American, 64%; 130,917 homozygotes.

Submissions (2):

GeneDx
Classification: Benign. Last evaluated: 2018-06-14. Review status: criteria provided, single submitter. Criteria: GeneDx Variant Classification (06012015). Collection method: clinical testing. Allele origin: germline. Affected: yes.
Comment: This variant is considered likely benign or benign based on one or more of the following criteria: it is a conservative change, it occurs at a poorly conserved position in the protein, it is predicted to be benign by multiple in silico algorithms, and/or has population frequency not consistent with disease.

Breakthrough Genomics
Classification: Benign. Review status: criteria provided, single submitter. Criteria: ACMG Guidelines, 2015. Collection method: not provided. Allele origin: germline. Inheritance: Unknown mechanism. Affected: yes.